The following is an entry in ClinVar:

ClinVar aggregate classification (germline): Benign/Likely benign. Review status: criteria provided, multiple submitters, no conflicts (2 of 4 stars). 4 submissions from 4 submitters: Benign (1); Likely benign (3). Last evaluated 2025-03-18.

Conditions:
Juvenile polyposis syndrome (JPS). Identifiers: Orphanet 2929, MedGen C0345893, MONDO:0017380, OMIM 174900.
Hereditary cancer-predisposing syndrome. Also called: Hereditary neoplastic syndrome; Neoplastic Syndromes, Hereditary; Tumor predisposition; Hereditary Cancer Syndrome. Identifiers: Orphanet 140162, MedGen C0027672, MeSH D009386, MONDO:0015356.
Familial thoracic aortic aneurysm and aortic dissection (TAAD). Also called: Thoracic aortic aneurysms and dissections. Identifiers: Orphanet 91387, MedGen C4707243, MONDO:0019625.
Juvenile polyposis/hereditary hemorrhagic telangiectasia syndrome (JPHT). Also called: Juvenile Polyposis Syndrome / Hereditary Hemorrhagic Telangiectasia (JPS/HHT); JP/HHT SYNDROME; JUVENILE POLYPOSIS WITH HEREDITARY HEMORRHAGIC TELANGIECTASIA; POLYPOSIS, GENERALIZED JUVENILE, WITH PULMONARY ARTERIOVENOUS MALFORMATION; TELANGIECTASIA, HEREDITARY HEMORRHAGIC, WITH JUVENILE POLYPOSIS COLI. Identifiers: Orphanet 2929, MedGen C1832942, MONDO:0008278, OMIM 175050.

Submissions (4):

Myriad Genetics, Inc.
Classification: Benign for Juvenile polyposis/hereditary hemorrhagic telangiectasia syndrome. Last evaluated: 2025-03-18. Review status: criteria provided, single submitter. Criteria: Myriad Autosomal Dominant, Autosomal Recessive and X-Linked Classification Criteria (2023). Collection method: clinical testing. Allele origin: unknown.
Comment: This variant is considered benign. This variant is a silent/synonymous amino acid change, and it is not expected to impact splicing.

Labcorp Genetics (formerly Invitae), Labcorp
Classification: Likely benign for Juvenile polyposis syndrome. Last evaluated: 2023-12-09. Review status: criteria provided, single submitter. Criteria: Invitae Variant Classification Sherloc (09022015). Collection method: clinical testing. Allele origin: germline.

Ambry Genetics
Classification: Likely benign for Hereditary cancer-predisposing syndrome; Familial thoracic aortic aneurysm and aortic dissection. Last evaluated: 2021-07-23. Review status: criteria provided, single submitter. Criteria: Ambry Variant Classification Scheme 2023. Collection method: clinical testing. Allele origin: germline.

Color Diagnostics, LLC DBA Color Health
Classification: Likely benign for Hereditary cancer-predisposing syndrome. Last evaluated: 2020-01-06. Review status: criteria provided, single submitter. Criteria: ACMG Guidelines, 2015. Collection method: clinical testing. Allele origin: germline.

NM_005359.6(SMAD4):c.285T>C (p.Tyr95=)

Gene: SMAD4 (SMAD family member 4; plus strand). Cytogenetic location: 18q21.2.
Variant type: single nucleotide variant.
Coding change: c.285T>C on transcript NM_005359.6 (MANE Select); coding-DNA position 285, T replaced by C.
Protein change: p.Tyr95=; no amino-acid change (tyrosine 95 retained).
Molecular consequence: synonymous variant.
Genome position (GRCh38, 1-based): chr18:51,048,721, T>C. VCF-style: chr18-51048721-T-C. GRCh37 (hg19) VCF-style: chr18-48575091-T-C.
Identifiers: ClinVar variation 754768 (VCV000754768.14), dbSNP rs1599182420, ClinGen allele CA503873559.